The following is an entry in ClinVar:

ClinVar aggregate classification (germline): Likely benign (0 of 4 stars; one submission).

Conditions:
EHHADH-related disorder. Also called: EHHADH-related condition.

Allele frequency attached by ClinVar (database versions not stated): TOPMed below 0.00001; gnomAD 0.00001; gnomAD exomes 0.00001.
gnomAD v4.1: 18 of 1,614,138 alleles (0.0011%); highest among the groups gnomAD compares: Middle Eastern, 0.049%; no homozygotes.

Submission:

PreventionGenetics, part of Exact Sciences
Classification: Likely benign for EHHADH-related condition. Last evaluated: 2023-08-30. Review status: no assertion criteria provided. Collection method: clinical testing. Allele origin: germline.
Comment: This variant is classified as likely benign based on ACMG/AMP sequence variant interpretation guidelines (Richards et al. 2015 PMID: 25741868, with internal and published modifications).

NM_001966.4(EHHADH):c.1920T>C (p.Ala640=)

Gene: EHHADH (enoyl-CoA hydratase and 3-hydroxyacyl CoA dehydrogenase; minus strand). Cytogenetic location: 3q27.2.
Variant type: single nucleotide variant.
Coding change: c.1920T>C on transcript NM_001966.4 (MANE Select); coding-DNA position 1920, T replaced by C.
Protein change: p.Ala640=; no amino-acid change (alanine 640 retained).
Molecular consequence: synonymous variant.
Genome position (GRCh38, 1-based): chr3:185,192,478, A>G on the plus strand (T>C on the coding strand, the complement: EHHADH is on the minus strand). VCF-style: chr3-185192478-A-G. GRCh37 (hg19) VCF-style: chr3-184910266-A-G.
Other names: c.1632T>C, p.Ala544= (NM_001166415.2).
Identifiers: ClinVar variation 3032736 (VCV003032736.2), dbSNP rs1166523943, ClinGen allele CA437630691.